The following is an entry in ClinVar:

ClinVar aggregate classification (germline): Likely pathogenic. Review status: criteria provided, multiple submitters, no conflicts (2 of 4 stars). 2 submissions from 2 submitters: Likely pathogenic (2). Last evaluated 2023-12-28.

Allele frequency attached by ClinVar (database versions not stated): TOPMed below 0.00001.

Submissions (2):

Labcorp Genetics (formerly Invitae), Labcorp
Classification: Likely pathogenic. Last evaluated: 2023-12-28. Review status: criteria provided, single submitter. Criteria: Invitae Variant Classification Sherloc (09022015). Collection method: clinical testing. Allele origin: germline.
Comment: This sequence change creates a premature translational stop signal (p.Leu444Aspfs*8) in the PPOX gene. While this is not anticipated to result in nonsense mediated decay, it is expected to disrupt the last 34 amino acid(s) of the PPOX protein. This variant is not present in population databases (gnomAD no frequency). This premature translational stop signal has been observed in individual(s) with variegate porphyria (PMID: 12859407). It has also been observed to segregate with disease in related individuals. This variant disrupts the C-terminus of the PPOX protein. Other variant(s) that disrupt this region (p.Tyr451*) have been observed in individuals with PPOX-related conditions (PMID: 19656455). This suggests that this may be a clinically significant region of the protein. In summary, the currently available evidence indicates that the variant is pathogenic, but additional data are needed to prove that conclusively. Therefore, this variant has been classified as Likely Pathogenic.

GeneDx
Classification: Likely pathogenic. Last evaluated: 2023-08-28. Review status: criteria provided, single submitter. Criteria: GeneDx Variant Classification Process June 2021. Collection method: clinical testing. Allele origin: germline. Affected: yes.
Comment: Frameshift variant predicted to result in protein truncation, as the last 34 amino acids are replaced with 7 different amino acids, and other loss-of-function variants have been reported downstream in HGMD; Not observed at significant frequency in large population cohorts (gnomAD); This variant is associated with the following publications: (PMID: 12859407)

Literature cited by the submitters: PubMed 12859407 (cited by Labcorp Genetics (formerly Invitae), Labcorp); PubMed 19656455 (cited by Labcorp Genetics (formerly Invitae), Labcorp).

NM_001122764.3(PPOX):c.1330_1331del (p.Leu444fs)

Gene: PPOX (protoporphyrinogen oxidase; plus strand). Cytogenetic location: 1q23.3.
Variant type: Deletion.
Coding change: c.1330_1331del on transcript NM_001122764.3 (MANE Select); coding-DNA positions 1330 to 1331, 2 bases deleted (CT; older notation c.1330_1331delCT).
Protein change: p.Leu444fs; shifts the reading frame from leucine 444.
Molecular consequence: frameshift variant.
Genome position (GRCh38, 1-based): chr1:161,171,072-161,171,073, CT deleted. VCF-style (leftmost placement, unchanged base first): chr1-161171071-CCT-C. GRCh37 (hg19) VCF-style: chr1-161140861-CCT-C.
Other names: c.1330_1331del (NM_000309.3); c.1330_1331del, p.Leu444fs (NM_000309.5, NM_001365398.1); c.1231_1232del, p.Leu411fs (NM_001350128.2); c.922_923del, p.Leu308fs (NM_001350129.2, NM_001365400.1); c.844_845del, p.Leu282fs (NM_001350130.2, NM_001350131.2, NM_001365401.1); c.1219_1220del, p.Leu407fs (NM_001365399.1); short protein forms L308fs, L444fs, L407fs, L282fs, L411fs.
Identifiers: ClinVar variation 2734010 (VCV002734010.4), dbSNP rs1661230355, ClinGen allele CA1202631217.